The following is an entry in ClinVar:

ClinVar aggregate classification (germline): Uncertain significance (1 of 4 stars; one submission).

Conditions:
Aortic aneurysm, familial thoracic 4 (AAT4). Also called: AORTIC ANEURYSM/AORTIC DISSECTION AND PATENT DUCTUS ARTERIOSUS. Identifiers: MedGen C1851504, MONDO:0007568, OMIM 132900.

Allele frequency attached by ClinVar (database versions not stated): gnomAD 0.00001; gnomAD exomes 0.00001.
gnomAD v4.1: 9 of 1,613,802 alleles (0.00056%); highest among the groups gnomAD compares: Non-Finnish European, 0.00076%; no homozygotes.

Submission:

Labcorp Genetics (formerly Invitae), Labcorp
Classification: Uncertain significance for Aortic aneurysm, familial thoracic 4. Last evaluated: 2023-12-22. Review status: criteria provided, single submitter. Criteria: Invitae Variant Classification Sherloc (09022015). Collection method: clinical testing. Allele origin: germline.
Comment: This sequence change replaces methionine, which is neutral and non-polar, with threonine, which is neutral and polar, at codon 1871 of the MYH11 protein (p.Met1871Thr). This variant is not present in population databases (gnomAD no frequency). This variant has not been reported in the literature in individuals affected with MYH11-related conditions. Advanced modeling of protein sequence and biophysical properties (such as structural, functional, and spatial information, amino acid conservation, physicochemical variation, residue mobility, and thermodynamic stability) performed at Invitae indicates that this missense variant is not expected to disrupt MYH11 protein function with a negative predictive value of 95%. In summary, the available evidence is currently insufficient to determine the role of this variant in disease. Therefore, it has been classified as a Variant of Uncertain Significance.

NM_002474.3(MYH11):c.5591T>C (p.Met1864Thr)

Genes: NDE1 (nudE neurodevelopment protein 1; plus strand), MYH11 (myosin heavy chain 11; minus strand). Cytogenetic location: 16p13.11.
Variant type: single nucleotide variant.
Coding change: c.5591T>C on transcript NM_002474.3 (MANE Select); coding-DNA position 5591, T replaced by C.
Protein change: p.Met1864Thr; replaces methionine 1864 with threonine.
Molecular consequence: missense variant. On other transcripts: intron variant (2).
Genome position (GRCh38, 1-based): chr16:15,715,186, A>G on the plus strand (T>C on the coding strand, the complement: MYH11 is on the minus strand). VCF-style: chr16-15715186-A-G. GRCh37 (hg19) VCF-style: chr16-15809043-A-G.
Other names: c.5612T>C, p.Met1871Thr (NM_001040113.2, NM_001040114.2); c.5591T>C, p.Met1864Thr (NM_022844.3); c.948-9005A>G (NM_001143979.2, NM_017668.3); short protein forms M1864T, M1871T.
Identifiers: ClinVar variation 2705238 (VCV002705238.3), dbSNP rs2040057043, ClinGen allele CA394847280.